The following is an entry in ClinVar:

NM_001126128.2(PROK2):c.14G>T (p.Cys5Phe)

Gene: PROK2 (prokineticin 2; minus strand). Cytogenetic location: 3p13.
Variant type: single nucleotide variant.
Coding change: c.14G>T on transcript NM_001126128.2 (MANE Select); coding-DNA position 14, G replaced by T.
Protein change: p.Cys5Phe; replaces cysteine 5 with phenylalanine.
Molecular consequence: missense variant.
Genome position (GRCh38, 1-based): chr3:71,785,039, C>A on the plus strand (G>T on the coding strand, the complement: PROK2 is on the minus strand). VCF-style: chr3-71785039-C-A. GRCh37 (hg19) VCF-style: chr3-71834190-C-A.
Other names: c.14G>T, p.Cys5Phe (NM_021935.4); short protein forms C5F.
Identifiers: ClinVar variation 3355887 (VCV003355887.1).

ClinVar aggregate classification (germline): Uncertain significance (0 of 4 stars; one submission).

Conditions:
PROK2-related disorder. Also called: PROK2-related condition.

gnomAD v4.1: 1 of 1,241,004 alleles (0.000081%); no homozygotes.

Submission:

PreventionGenetics, part of Exact Sciences
Classification: Uncertain significance for PROK2-related condition. Last evaluated: 2024-01-29. Review status: no assertion criteria provided. Collection method: clinical testing. Allele origin: germline.
Comment: The PROK2 c.14G>T variant is predicted to result in the amino acid substitution p.Cys5Phe. To our knowledge, this variant has not been reported in the literature or in a large population database, indicating this variant is rare. At this time, the clinical significance of this variant is uncertain due to the absence of conclusive functional and genetic evidence.